The following is an entry in ClinVar:

ClinVar aggregate classification (germline): Uncertain significance. Review status: criteria provided, multiple submitters, no conflicts (2 of 4 stars). 2 submissions from 2 submitters: Uncertain significance (2). Last evaluated 2022-03-04.

Conditions:
Familial thoracic aortic aneurysm and aortic dissection (TAAD). Also called: Thoracic aortic aneurysms and dissections. Identifiers: Orphanet 91387, MedGen C4707243, MONDO:0019625.

Submissions (2):

Ambry Genetics
Classification: Uncertain significance for Familial thoracic aortic aneurysm and aortic dissection. Last evaluated: 2022-03-04. Review status: criteria provided, single submitter. Criteria: Ambry Variant Classification Scheme 2023. Collection method: clinical testing. Allele origin: germline.
Comment: The p.D2442H variant (also known as c.7324G>C), located in coding exon 34 of the NOTCH1 gene, results from a G to C substitution at nucleotide position 7324. The aspartic acid at codon 2442 is replaced by histidine, an amino acid with similar properties. This amino acid position is conserved. In addition, the in silico prediction for this alteration is inconclusive. Since supporting evidence is limited at this time, the clinical significance of this alteration remains unclear.

GeneDx
Classification: Uncertain significance. Last evaluated: 2020-02-02. Review status: criteria provided, single submitter. Criteria: GeneDx Variant Classification Process June 2021. Collection method: clinical testing. Allele origin: germline. Affected: yes.
Comment: Not observed in large population cohorts (Lek et al., 2016); In silico analysis supports that this missense variant does not alter protein structure/function; Has not been previously published as pathogenic or benign to our knowledge

NM_017617.5(NOTCH1):c.7324G>C (p.Asp2442His)

Gene: NOTCH1 (notch receptor 1; minus strand). Cytogenetic location: 9q34.3.
Variant type: single nucleotide variant.
Coding change: c.7324G>C on transcript NM_017617.5 (MANE Select); coding-DNA position 7324, G replaced by C.
Protein change: p.Asp2442His; replaces aspartic acid 2442 with histidine.
Molecular consequence: missense variant.
Genome position (GRCh38, 1-based): chr9:136,496,415, C>G on the plus strand (G>C on the coding strand, the complement: NOTCH1 is on the minus strand). VCF-style: chr9-136496415-C-G. GRCh37 (hg19) VCF-style: chr9-139390867-C-G.
Other names: short protein forms D2442H.
Identifiers: ClinVar variation 1308802 (VCV001308802.4), dbSNP rs2133315459, ClinGen allele CA375626985.
Genomic context (GRCh38, chr9:136,496,415, plus strand): 5'-GGCTCTCCTGGGGCAGAATAGTGTGCACCGCCAGGCTGCTGGGGCCCAGTGGCTGCACGT[C>G]TGCCTGGCTCGGCTCTCCACTCAGGAAGCTCCGGCCCAGGTGGCCGCTGGCTGCTGAGCT-3'
Protein context (NP_060087.3, residues 2432-2452): SFLSGEPSQA[Asp2442His]VQPLGPSSLA